The following is an entry in ClinVar:

NM_000179.3(MSH6):c.1507_1519dup (p.Arg507delinsIleGlnValTer)

Gene: MSH6 (mutS homolog 6; plus strand). Cytogenetic location: 2p16.3.
Variant type: Duplication.
Coding change: c.1507_1519dup on transcript NM_000179.3 (MANE Select); coding-DNA positions 1507 to 1519, 13 bases duplicated (TCCAAGTATGATA).
Protein change: p.Arg507delinsIleGlnValTer.
Molecular consequence: nonsense. On other transcripts: non-coding transcript variant (4), intron variant (1).
Genome position (GRCh38, 1-based): chr2:47,799,490-47,799,502, TCCAAGTATGATA duplicated; duplicating any 13 consecutive bases within chr2:47,799,487-47,799,502 gives the same sequence; the c. name uses the placement nearest the transcript's 3' end. VCF-style (leftmost placement, unchanged base first): chr2-47799486-T-TATATCCAAGTATG. GRCh37 (hg19) VCF-style: chr2-48026625-T-TATATCCAAGTATG.
Other names: c.1117_1129dup, p.Arg377delinsIleGlnValTer (NM_001281492.2); c.601_613dup, p.Arg205delinsIleGlnValTer (NM_001281493.2, NM_001281494.2, NM_001406811.1 and 6 more transcripts); c.1603_1615dup, p.Arg539delinsIleGlnValTer (NM_001406795.1, NM_001406802.1); c.1507_1519dup, p.Arg507delinsIleGlnValTer (NM_001406796.1, NM_001406798.1, NM_001406800.1 and 4 more transcripts); c.1210_1222dup, p.Arg408delinsIleGlnValTer (NM_001406797.1, NM_001406801.1, NM_001406805.1 and 10 more transcripts); c.982_994dup, p.Arg332delinsIleGlnValTer (NM_001406799.1, NM_001406806.1, NM_001406807.1); c.1429_1441dup, p.Arg481delinsIleGlnValTer (NM_001406804.1); c.1513_1525dup, p.Arg509delinsIleGlnValTer (NM_001406813.1); and 2 more.
Identifiers: ClinVar variation 2673695 (VCV002673695.1), dbSNP rs2530613418, ClinGen allele CA2586969257.
Genomic context (GRCh38, chr2:47,799,486, plus strand): 5'-ACGAGTGGAACAGACTGAGACTCCAGAAATGATGGAGGCACGATGTAGAAAGATGGCACA[T>TATATCCAAGTATG]ATATCCAAGTATGATAGAGTGGTGAGGAGGGAGATCTGTAGGATCATTACCAAGGGTACA-3'

ClinVar aggregate classification (germline): Pathogenic (1 of 4 stars; one submission).

Conditions:
Lynch syndrome 5 (LYNCH5). Also called: Colorectal cancer, hereditary nonpolyposis, type 5; Hereditary non-polyposis colorectal cancer, type 5. Identifiers: Orphanet 144, MedGen C1833477, MONDO:0013710, OMIM 614350. Disease mechanism: loss of function.

Submission:

Myriad Genetics, Inc.
Classification: Pathogenic for Lynch syndrome 5. Last evaluated: 2023-08-14. Review status: criteria provided, single submitter. Criteria: Myriad Autosomal Dominant, Autosomal Recessive and X-Linked Classification Criteria (2023). Collection method: clinical testing. Allele origin: unknown.
Comment: This variant is considered pathogenic. This variant creates a frameshift predicted to result in premature protein truncation.